The following is an entry in ClinVar:

ClinVar aggregate classification (germline): Conflicting classifications of pathogenicity. Review status: criteria provided, conflicting classifications (1 of 4 stars). 2 submissions from 2 submitters: Uncertain significance (1); Likely benign (1). Last evaluated 2025-11-19.

Conditions:
Hereditary cancer-predisposing syndrome. Also called: Tumor predisposition; Neoplastic Syndromes, Hereditary; Hereditary Cancer Syndrome; Hereditary neoplastic syndrome. Identifiers: Orphanet 140162, MedGen C0027672, MeSH D009386, MONDO:0015356.
Birt-Hogg-Dube syndrome. Also called: Birt Hogg Dubé syndrome. Identifiers: Orphanet 122, MedGen C0346010, MONDO:0800444.

Allele frequency attached by ClinVar (database versions not stated): ExAC 0.00001; gnomAD 0.00001; gnomAD exomes 0.00001; TOPMed 0.00002.
gnomAD v4.1: 10 of 1,614,012 alleles (0.00062%); highest among the groups gnomAD compares: African/African-American, 0.004%; no homozygotes.

Submissions (2):

Ambry Genetics
Classification: Likely benign for Hereditary cancer-predisposing syndrome. Last evaluated: 2025-11-19. Review status: criteria provided, single submitter. Criteria: Ambry Variant Classification Scheme 2023. Collection method: clinical testing. Allele origin: germline.

Labcorp Genetics (formerly Invitae), Labcorp
Classification: Uncertain significance for Birt-Hogg-Dube syndrome. Last evaluated: 2025-09-02. Review status: criteria provided, single submitter. Criteria: Invitae Variant Classification Sherloc (09022015). Collection method: clinical testing. Allele origin: germline.
Comment: This sequence change replaces serine, which is neutral and polar, with leucine, which is neutral and non-polar, at codon 575 of the FLCN protein (p.Ser575Leu). This variant is present in population databases (rs763604691, gnomAD 0.003%). This variant has not been reported in the literature in individuals affected with FLCN-related conditions. ClinVar contains an entry for this variant (Variation ID: 1059893). An algorithm developed to predict the effect of missense changes on protein structure and function outputs the following: PolyPhen-2: "Benign". The leucine amino acid residue is found in multiple mammalian species, which suggests that this missense change does not adversely affect protein function. In summary, the available evidence is currently insufficient to determine the role of this variant in disease. Therefore, it has been classified as a Variant of Uncertain Significance.

NM_144997.7(FLCN):c.1724C>T (p.Ser575Leu)

Gene: FLCN (folliculin; minus strand). Cytogenetic location: 17p11.2.
Variant type: single nucleotide variant.
Coding change: c.1724C>T on transcript NM_144997.7 (MANE Select); coding-DNA position 1724, C replaced by T.
Protein change: p.Ser575Leu; replaces serine 575 with leucine.
Molecular consequence: missense variant.
Genome position (GRCh38, 1-based): chr17:17,213,671, G>A on the plus strand (C>T on the coding strand, the complement: FLCN is on the minus strand). VCF-style: chr17-17213671-G-A. GRCh37 (hg19) VCF-style: chr17-17116985-G-A.
Other names: c.1778C>T, p.Ser593Leu (NM_001353229.2); c.1724C>T, p.Ser575Leu (NM_001353230.2, NM_001353231.2); short protein forms S575L, S593L.
Identifiers: ClinVar variation 1059893 (VCV001059893.8), dbSNP rs763604691, ClinGen allele CA8415908.